The following is an entry in ClinVar:

ClinVar aggregate classification (germline): Uncertain significance. Review status: criteria provided, multiple submitters, no conflicts (2 of 4 stars). 2 submissions from 2 submitters: Uncertain significance (2). Last evaluated 2022-05-13.

Allele frequency attached by ClinVar (database versions not stated): gnomAD exomes below 0.00001; TOPMed 0.00001.
gnomAD v4.1: 1 of 1,614,166 alleles (0.000062%); highest among the groups gnomAD compares: Non-Finnish European, 0.000085%; no homozygotes.

Submissions (2):

Blueprint Genetics
Classification: Uncertain significance. Last evaluated: 2022-05-13. Review status: criteria provided, single submitter. Criteria: ACMG Guidelines, 2015. Collection method: clinical testing. Allele origin: germline.

Labcorp Genetics (formerly Invitae), Labcorp
Classification: Uncertain significance. Last evaluated: 2021-03-07. Review status: criteria provided, single submitter. Criteria: Invitae Variant Classification Sherloc (09022015). Collection method: clinical testing. Allele origin: germline.
Comment: In summary, the available evidence is currently insufficient to determine the role of this variant in disease. Therefore, it has been classified as a Variant of Uncertain Significance. Algorithms developed to predict the effect of missense changes on protein structure and function output the following: SIFT: "Deleterious"; PolyPhen-2: "Benign"; Align-GVGD: "Class C0". The proline amino acid residue is found in multiple mammalian species, suggesting that this missense change does not adversely affect protein function. These predictions have not been confirmed by published functional studies and their clinical significance is uncertain. This variant has not been reported in the literature in individuals with RP1-related conditions. This variant is not present in population databases (ExAC no frequency). This sequence change replaces serine with proline at codon 1209 of the RP1 protein (p.Ser1209Pro). The serine residue is moderately conserved and there is a moderate physicochemical difference between serine and proline.

NM_006269.2(RP1):c.3625T>C (p.Ser1209Pro)

Gene: RP1 (RP1 axonemal microtubule associated; plus strand). Cytogenetic location: 8q12.1.
Variant type: single nucleotide variant.
Coding change: c.3625T>C on transcript NM_006269.2 (MANE Select); coding-DNA position 3625, T replaced by C.
Protein change: p.Ser1209Pro; replaces serine 1209 with proline.
Molecular consequence: missense variant. On other transcripts: intron variant (1).
Genome position (GRCh38, 1-based): chr8:54,627,507, T>C. VCF-style: chr8-54627507-T-C. GRCh37 (hg19) VCF-style: chr8-55540067-T-C.
Other names: c.787+5219T>C (NM_001375654.1); short protein forms S1209P.
Identifiers: ClinVar variation 1514749 (VCV001514749.9), dbSNP rs1806099628, ClinGen allele CA370996886.
Genomic context (GRCh38, chr8:54,627,507, plus strand): 5'-TCAACTACAAGCCACTTTGGACTCAGTGAGAAAGAACAAGACATGGTTCCAATAGATCTT[T>C]CTGCAAATTGTTCCACGGTCAACATTCAGAGTGTTCCTAAGTGCAGTGAAAATGAAAGAA-3'
Protein context (NP_006260.1, residues 1199-1219): KEQDMVPIDL[Ser1209Pro]ANCSTVNIQS